The following is an entry in ClinVar:

ClinVar aggregate classification (germline): Uncertain significance. Review status: criteria provided, multiple submitters, no conflicts (2 of 4 stars). 2 submissions from 2 submitters: Uncertain significance (2). Last evaluated 2025-01-31.

Conditions:
Cardiovascular phenotype. Identifiers: MedGen CN230736.
Long QT syndrome (LQTS). Identifiers: MedGen C0023976, MeSH D008133, MONDO:0002442. Disease mechanism: loss of function. Inheritance: Various modes of inheritance.

Allele frequency attached by ClinVar (database versions not stated): gnomAD exomes below 0.00001.
gnomAD v4.1: 5 of 1,614,124 alleles (0.00031%); highest among the groups gnomAD compares: African/African-American, 0.0013%; no homozygotes.

Submissions (2):

Ambry Genetics
Classification: Uncertain significance for Cardiovascular phenotype. Last evaluated: 2025-01-31. Review status: criteria provided, single submitter. Criteria: Ambry Variant Classification Scheme 2023. Collection method: clinical testing. Allele origin: germline.
Comment: The p.E2107G variant (also known as c.6320A>G), located in coding exon 38 of the ANK2 gene, results from an A to G substitution at nucleotide position 6320. The glutamic acid at codon 2107 is replaced by glycine, an amino acid with similar properties. This amino acid position is conserved. In addition, this alteration is predicted to be tolerated by in silico analysis. Based on the available evidence, the clinical significance of this variant remains unclear.

Labcorp Genetics (formerly Invitae), Labcorp
Classification: Uncertain significance for Long QT syndrome. Last evaluated: 2023-02-11. Review status: criteria provided, single submitter. Criteria: Invitae Variant Classification Sherloc (09022015). Collection method: clinical testing. Allele origin: germline.
Comment: This sequence change replaces glutamic acid, which is acidic and polar, with glycine, which is neutral and non-polar, at codon 2107 of the ANK2 protein (p.Glu2107Gly). This variant is not present in population databases (gnomAD no frequency). This variant has not been reported in the literature in individuals affected with ANK2-related conditions. ClinVar contains an entry for this variant (Variation ID: 1042385). Algorithms developed to predict the effect of missense changes on protein structure and function output the following: SIFT: "Tolerated"; PolyPhen-2: "Benign"; Align-GVGD: "Class C0". The glycine amino acid residue is found in multiple mammalian species, which suggests that this missense change does not adversely affect protein function. In summary, the available evidence is currently insufficient to determine the role of this variant in disease. Therefore, it has been classified as a Variant of Uncertain Significance.

NM_001148.6(ANK2):c.6320A>G (p.Glu2107Gly)

Genes: ANK2 (ankyrin 2; plus strand), LOC126807136 (MED14-independent group 3 enhancer GRCh37_chr4:114274931-114276130; plus strand). Cytogenetic location: 4q26.
Variant type: single nucleotide variant.
Coding change: c.6320A>G on transcript NM_001148.6 (MANE Select); coding-DNA position 6320, A replaced by G.
Protein change: p.Glu2107Gly; replaces glutamic acid 2107 with glycine.
Molecular consequence: missense variant. On other transcripts: intron variant (68).
Genome position (GRCh38, 1-based): chr4:113,354,938, A>G. VCF-style: chr4-113354938-A-G. GRCh37 (hg19) VCF-style: chr4-114276094-A-G.
Other names: c.6086A>G, p.Glu2029Gly (NM_001386142.1); c.2720A>G, p.Glu907Gly (NM_001386166.1); c.6461A>G, p.Glu2154Gly (NM_001386174.1); c.6437A>G, p.Glu2146Gly (NM_001386175.1); c.4411+4689A>G (NM_001386186.2, NM_001386148.2); c.4213+4689A>G (NM_001354269.3); c.4291+4689A>G (NM_001386187.2); c.4252+4689A>G (NM_001386147.1); and 36 more; short protein forms E2029G, E2146G, E2154G, E907G, E2107G.
Identifiers: ClinVar variation 1042385 (VCV001042385.6), dbSNP rs2095653777, ClinGen allele CA357923047.